The following is an entry in ClinVar:

ClinVar aggregate classification (germline): Uncertain significance (1 of 4 stars; one submission).

Conditions:
RYR1-related disorder. Also called: RYR1-related condition; RYR1-related disorders. Identifiers: MedGen CN239331.

Allele frequency attached by ClinVar (database versions not stated): gnomAD exomes below 0.00001.
gnomAD v4.1: 1 of 1,291,576 alleles (0.000077%); highest among the groups gnomAD compares: Non-Finnish European, 0.000097%; no homozygotes.

Submission:

Labcorp Genetics (formerly Invitae), Labcorp
Classification: Uncertain significance for RYR1-related disorder. Last evaluated: 2022-04-22. Review status: criteria provided, single submitter. Criteria: Invitae Variant Classification Sherloc (09022015). Collection method: clinical testing. Allele origin: germline.
Comment: This sequence change replaces alanine, which is neutral and non-polar, with valine, which is neutral and non-polar, at codon 4338 of the RYR1 protein (p.Ala4338Val). This variant is not present in population databases (gnomAD no frequency). This variant has not been reported in the literature in individuals affected with RYR1-related conditions. Advanced modeling of protein sequence and biophysical properties (such as structural, functional, and spatial information, amino acid conservation, physicochemical variation, residue mobility, and thermodynamic stability) performed at Invitae indicates that this missense variant is not expected to disrupt RYR1 protein function. In summary, the available evidence is currently insufficient to determine the role of this variant in disease. Therefore, it has been classified as a Variant of Uncertain Significance.

NM_000540.3(RYR1):c.13013C>T (p.Ala4338Val)

Gene: RYR1 (ryanodine receptor 1; plus strand). Cytogenetic location: 19q13.2.
Variant type: single nucleotide variant.
Coding change: c.13013C>T on transcript NM_000540.3 (MANE Select); coding-DNA position 13013, C replaced by T.
Protein change: p.Ala4338Val; replaces alanine 4338 with valine.
Molecular consequence: missense variant.
Genome position (GRCh38, 1-based): chr19:38,565,347, C>T. VCF-style: chr19-38565347-C-T. GRCh37 (hg19) VCF-style: chr19-39055987-C-T.
Other names: c.12998C>T, p.Ala4333Val (NM_001042723.2); short protein forms A4333V, A4338V.
Identifiers: ClinVar variation 2179530 (VCV002179530.1), dbSNP rs2514678058, ClinGen allele CA405673003.